The following is an entry in ClinVar:

NM_005876.5(SPEG):c.4846C>T (p.Arg1616Trp)

Gene: SPEG (striated muscle enriched protein kinase; plus strand). Cytogenetic location: 2q35.
Variant type: single nucleotide variant.
Coding change: c.4846C>T on transcript NM_005876.5 (MANE Select); coding-DNA position 4846, C replaced by T.
Protein change: p.Arg1616Trp; replaces arginine 1616 with tryptophan.
Molecular consequence: missense variant.
Genome position (GRCh38, 1-based): chr2:219,477,924, C>T. VCF-style: chr2-219477924-C-T. GRCh37 (hg19) VCF-style: chr2-220342646-C-T.
Other names: short protein forms R1616W.
Identifiers: ClinVar variation 3714920 (VCV003714920.1).
Genomic context (GRCh38, chr2:219,477,924, plus strand): 5'-CAGTGATGGCTGATCTCTGACCCCCTCCCTGTGTCAACCAGGGGTGCTTTCTCCTACTTG[C>T]GGCGCATAGTGGAGCGTAGCTCCGGCCTGGAGTTTGCGGCCAAGTTCATCCCCAGCCAGG-3'
Protein context (NP_005867.3, residues 1606-1626): EIGRGAFSYL[Arg1616Trp]RIVERSSGLE

ClinVar aggregate classification (germline): Uncertain significance (1 of 4 stars; one submission).

gnomAD v4.1: 25 of 1,613,970 alleles (0.0015%); highest among the groups gnomAD compares: East Asian, 0.016%; no homozygotes.

Submission:

Labcorp Genetics (formerly Invitae), Labcorp
Classification: Uncertain significance. Last evaluated: 2024-03-16. Review status: criteria provided, single submitter. Criteria: Invitae Variant Classification Sherloc (09022015). Collection method: clinical testing. Allele origin: germline.
Comment: This sequence change replaces arginine, which is basic and polar, with tryptophan, which is neutral and slightly polar, at codon 1616 of the SPEG protein (p.Arg1616Trp). This variant is present in population databases (rs752363741, gnomAD 0.007%). This variant has not been reported in the literature in individuals affected with SPEG-related conditions. An algorithm developed to predict the effect of missense changes on protein structure and function (PolyPhen-2) suggests that this variant is likely to be disruptive. In summary, the available evidence is currently insufficient to determine the role of this variant in disease. Therefore, it has been classified as a Variant of Uncertain Significance.